The following is an entry in ClinVar:

NM_000186.4(CFH):c.1159+4A>T

Gene: CFH (complement factor H; plus strand). Cytogenetic location: 1q31.3.
Variant type: single nucleotide variant.
Coding change: c.1159+4A>T on transcript NM_000186.4 (MANE Select); 4 bases into the intron after coding-DNA position 1159, A replaced by T.
Molecular consequence: intron variant.
Genome position (GRCh38, 1-based): chr1:196,689,618, A>T. VCF-style: chr1-196689618-A-T. GRCh37 (hg19) VCF-style: chr1-196658748-A-T.
Other names: c.1159+4A>T (NM_001014975.3).
Identifiers: ClinVar variation 3256678 (VCV003256678.1).
Genomic context (GRCh38, chr1:196,689,618, plus strand): 5'-ACTGGGATCACATTCATTGCACACAAGATGGATGGTCGCCAGCAGTACCATGCCTCAGTA[A>T]GTAAACCTCTGAACTGCTATATATATGTATAAAACTTTCAAAGATCGAAGAAAGGAGAGC-3'

ClinVar aggregate classification (germline): Uncertain significance (1 of 4 stars; one submission).

Conditions:
Hemolytic uremic syndrome, atypical, susceptibility to, 1. Also called: AHUS, SUSCEPTIBILITY TO, 1. Identifiers: Orphanet 2134, Orphanet 90038, MedGen C2749604, MONDO:0009335, OMIM 235400. Disease mechanism: Other.

Submission:

MVZ Medizinische Genetik Mainz
Classification: Uncertain significance for Hemolytic uremic syndrome, atypical, susceptibility to, 1. Last evaluated: 2024-04-24. Review status: criteria provided, single submitter. Criteria: UK Practice Guidelines For Variant Classification V4 01 2020. Collection method: clinical testing. Allele origin: germline. Inheritance: Autosomal dominant inheritance. Affected: yes. Observed: 1 variant allele.
Comment: ACMG Criteria: PM2_SUP,PP3,PP4